The following is an entry in ClinVar:

ClinVar aggregate classification (germline): Likely benign (1 of 4 stars; one submission).

gnomAD v4.1: 1 of 1,346,634 alleles (0.000074%); highest among the groups gnomAD compares: Non-Finnish European, 0.00011%; no homozygotes.

Submission:

Mayo Clinic Laboratories, Mayo Clinic
Classification: Likely benign. Last evaluated: 2025-08-27. Review status: criteria provided, single submitter. Criteria: ACMG Guidelines, 2015. Collection method: clinical testing. Allele origin: germline. Observed: 1 variant allele.
Comment: BP4, BP7

NM_024079.5(ALG8):c.1277-29T>C

Gene: ALG8 (ALG8 alpha-1,3-glucosyltransferase; minus strand). Cytogenetic location: 11q14.1.
Variant type: single nucleotide variant.
Coding change: c.1277-29T>C on transcript NM_024079.5 (MANE Select); 29 bases into the intron before coding-DNA position 1277, T replaced by C.
Molecular consequence: intron variant.
Genome position (GRCh38, 1-based): chr11:78,104,081, A>G on the plus strand (T>C on the coding strand, the complement: ALG8 is on the minus strand). VCF-style: chr11-78104081-A-G. GRCh37 (hg19) VCF-style: chr11-77815127-A-G.
Other names: p.?; c.1013-29T>C (NM_001425234.1, NM_001425239.1); c.1076-29T>C (NM_001425231.1); c.950-29T>C (NM_001425235.1); c.1124-29T>C (NM_001425226.1, NM_001425236.1); c.1262-29T>C (NM_001425220.1); c.761-29T>C (NM_001425241.1); c.785-29T>C (NM_001425240.1); and 13 more.
Identifiers: ClinVar variation 4683663 (VCV004683663.1).
Genomic context (GRCh38, chr11:78,104,081, plus strand): 5'-TAGTAACATGAGTAAGATTTTAATGGGAAGTTCTGTTAAAAGAATAGAAAAAAAAAGATA[A>G]TTTAGCTGATGACAGAAAGACTTATGATGCTGAAAGTAATATAAGCACACTGACACAGCT-3'